The following is an entry in ClinVar:

NM_005359.6(SMAD4):c.424+2T>C

Gene: SMAD4 (SMAD family member 4; plus strand). Cytogenetic location: 18q21.2.
Variant type: single nucleotide variant.
Coding change: c.424+2T>C on transcript NM_005359.6 (MANE Select); the canonical splice donor site of the intron after coding-DNA position 424, T replaced by C.
Molecular consequence: splice donor variant.
Genome position (GRCh38, 1-based): chr18:51,048,862, T>C. VCF-style: chr18-51048862-T-C. GRCh37 (hg19) VCF-style: chr18-48575232-T-C.
Other names: c.424+2T>C (NM_001407042.1, NM_001407041.1, NM_001407043.1).
Identifiers: ClinVar variation 2829090 (VCV002829090.3), dbSNP rs777803301, ClinGen allele CA8965778.

ClinVar aggregate classification (germline): Likely pathogenic (1 of 4 stars; one submission).

Conditions:
Juvenile polyposis syndrome (JPS). Identifiers: Orphanet 2929, MedGen C0345893, MONDO:0017380, OMIM 174900.

Allele frequency attached by ClinVar (database versions not stated): ExAC 0.00001.

Submission:

Labcorp Genetics (formerly Invitae), Labcorp
Classification: Likely pathogenic for Juvenile polyposis syndrome. Last evaluated: 2023-01-16. Review status: criteria provided, single submitter. Criteria: Invitae Variant Classification Sherloc (09022015). Collection method: clinical testing. Allele origin: germline.
Comment: In summary, the currently available evidence indicates that the variant is pathogenic, but additional data are needed to prove that conclusively. Therefore, this variant has been classified as Likely Pathogenic. Algorithms developed to predict the effect of sequence changes on RNA splicing suggest that this variant may disrupt the consensus splice site. This variant has not been reported in the literature in individuals affected with SMAD4-related conditions. This variant is not present in population databases (gnomAD no frequency). This sequence change affects a donor splice site in intron 3 of the SMAD4 gene. It is expected to disrupt RNA splicing. Variants that disrupt the donor or acceptor splice site typically lead to a loss of protein function (PMID: 16199547), and loss-of-function variants in SMAD4 are known to be pathogenic (PMID: 16152648, 16436638, 22810475).

Literature cited by the submitters: PubMed 16199547; PubMed 16152648; PubMed 16436638; PubMed 22810475.